The following is an entry in ClinVar:

ClinVar aggregate classification (germline): Benign/Likely benign. Review status: criteria provided, multiple submitters, no conflicts (2 of 4 stars). 7 submissions from 7 submitters: Benign (3); Likely benign (3). 1 of the submissions does not count toward it. Last evaluated 2025-12-24.

Conditions:
Inborn genetic diseases. Identifiers: MedGen C0950123, MeSH D030342.
ADNP-related disorder. Also called: ADNP-related condition.

Allele frequency attached by ClinVar (database versions not stated): ExAC 0.00031; gnomAD exomes 0.00035 and 0.00039; 1000 Genomes Project 0.00040; TOPMed 0.00046; 1000 Genomes Project 30x 0.00047; gnomAD 0.00048 and 0.00050; ESP Exome Variant Server 0.00054.
gnomAD v4.1: 585 of 1,614,168 alleles (0.036%); highest among the groups gnomAD compares: Admixed American, 0.088%; no homozygotes.

Submissions (7):

Labcorp Genetics (formerly Invitae), Labcorp
Classification: Likely benign. Last evaluated: 2025-12-24. Review status: criteria provided, single submitter. Criteria: Invitae Variant Classification Sherloc (09022015). Collection method: clinical testing. Allele origin: germline.

CeGaT Center for Human Genetics Tuebingen
Classification: Likely benign. Last evaluated: 2024-12-01. Review status: criteria provided, single submitter. Criteria: CeGaT Center For Human Genetics Tuebingen Variant Classification Criteria Version 2. Collection method: clinical testing. Allele origin: germline. Affected: yes. Observed: 1 variant allele.
Comment: ADNP: BP4

Blueprint Genetics
Classification: Likely benign. Last evaluated: 2024-09-23. Review status: criteria provided, single submitter. Criteria: ACMG Guidelines, 2015. Collection method: clinical testing. Allele origin: germline.

GeneDx
Classification: Benign. Last evaluated: 2020-07-30. Review status: criteria provided, single submitter. Criteria: GeneDx Variant Classification Process June 2021. Collection method: clinical testing. Allele origin: germline. Affected: yes.

Ambry Genetics
Classification: Benign for Inborn genetic diseases. Last evaluated: 2019-02-09. Review status: criteria provided, single submitter. Criteria: Ambry Variant Classification Scheme 2023. Collection method: clinical testing. Allele origin: germline.

Breakthrough Genomics
Classification: Benign. Review status: criteria provided, single submitter. Criteria: ACMG Guidelines, 2015. Collection method: not provided. Allele origin: germline. Inheritance: Autosomal dominant inheritance. Affected: yes.

PreventionGenetics, part of Exact Sciences
Classification: Likely benign for ADNP-related condition. Last evaluated: 2021-02-22. Review status: no assertion criteria provided. Collection method: clinical testing. Allele origin: germline. Not counted in ClinVar's aggregate classification.
Comment: This variant is classified as likely benign based on ACMG/AMP sequence variant interpretation guidelines (Richards et al. 2015 PMID: 25741868, with internal and published modifications).

NM_001282531.3(ADNP):c.909G>A (p.Met303Ile)

Gene: ADNP (activity dependent neuroprotector homeobox; minus strand). Cytogenetic location: 20q13.13.
Variant type: single nucleotide variant.
Coding change: c.909G>A on transcript NM_001282531.3 (MANE Select); coding-DNA position 909, G replaced by A.
Protein change: p.Met303Ile; replaces methionine 303 with isoleucine.
Molecular consequence: missense variant.
Genome position (GRCh38, 1-based): chr20:50,893,805, C>T on the plus strand (G>A on the coding strand, the complement: ADNP is on the minus strand). VCF-style: chr20-50893805-C-T. GRCh37 (hg19) VCF-style: chr20-49510342-C-T.
Other names: c.909G>A, p.Met303Ile (NM_001282532.2, NM_001347511.2, NM_015339.5 and 1 more transcripts); c.909G>A (NM_001282531.2); short protein forms M303I.
Identifiers: ClinVar variation 1265979 (VCV001265979.26), dbSNP rs141172488, ClinGen allele CA9908818.